The following is an entry in ClinVar:

ClinVar aggregate classification (germline): Likely benign (0 of 4 stars; one submission).

Conditions:
MFHAS1-related disorder. Also called: MFHAS1-related condition.

Allele frequency attached by ClinVar (database versions not stated): 1000 Genomes Project 0.00040; 1000 Genomes Project 30x 0.00047; ExAC 0.00143; gnomAD 0.00155; TOPMed 0.00155; ESP Exome Variant Server 0.00215; gnomAD exomes 0.00242.
gnomAD v4.1: 3,718 of 1,613,484 alleles (0.23%); highest among the groups gnomAD compares: Non-Finnish European, 0.3%; 9 homozygotes.

Submissions (5):

PreventionGenetics, part of Exact Sciences
Classification: Likely benign for MFHAS1-related condition. Last evaluated: 2022-07-06. Review status: no assertion criteria provided. Collection method: clinical testing. Allele origin: germline.
Comment: This variant is classified as likely benign based on ACMG/AMP sequence variant interpretation guidelines (Richards et al. 2015 PMID: 25741868, with internal and published modifications).

Dr. Peter K. Rogan Lab, Western University
No classification provided (evidence only). Condition: Lung cancer. Review status: no classification provided. Collection method: in vitro. Allele origin: not applicable. Functional consequence: retained intron. Not counted in ClinVar's aggregate classification.

Dr. Peter K. Rogan Lab, Western University
No classification provided (evidence only). Condition: Melanoma. Review status: no classification provided. Collection method: in vitro. Allele origin: not applicable. Functional consequence: retained intron. Not counted in ClinVar's aggregate classification.

Dr. Peter K. Rogan Lab, Western University
No classification provided (evidence only). Condition: Familial cancer of breast. Review status: no classification provided. Collection method: in vitro. Allele origin: not applicable. Functional consequence: retained intron. Not counted in ClinVar's aggregate classification.

Dr. Peter K. Rogan Lab, Western University
No classification provided (evidence only). Condition: Uterine carcinosarcoma. Review status: no classification provided. Collection method: in vitro. Allele origin: not applicable. Functional consequence: retained intron. Not counted in ClinVar's aggregate classification.

NM_004225.3(MFHAS1):c.2537C>G (p.Ala846Gly)

Gene: MFHAS1 (multifunctional ROCO family signaling regulator 1). Cytogenetic location: 8p23.1.
Variant type: single nucleotide variant.
Coding change: c.2537C>G on transcript NM_004225.3 (MANE Select); coding-DNA position 2537, C replaced by G.
Protein change: p.Ala846Gly; replaces alanine 846 with glycine.
Molecular consequence: missense variant.
Genome position (GRCh38, 1-based): chr8:8,890,522, G>C on the plus strand (C>G on the coding strand, the complement: MFHAS1 is on the minus strand). VCF-style: chr8-8890522-G-C. GRCh37 (hg19) VCF-style: chr8-8748032-G-C.
Other names: NC_000008.10:g.8748032G>C; short protein forms A846G.
Identifiers: ClinVar variation 3060793 (VCV003060793.3), dbSNP rs75923733, ClinGen allele CA4618946.